The following is an entry in ClinVar:

NM_001367949.2(FAT3):c.11947C>G (p.Gln3983Glu)

Gene: FAT3 (FAT atypical cadherin 3; plus strand). Cytogenetic location: 11q14.3.
Variant type: single nucleotide variant.
Coding change: c.11947C>G on transcript NM_001367949.2 (MANE Select); coding-DNA position 11947, C replaced by G.
Protein change: p.Gln3983Glu; replaces glutamine 3983 with glutamic acid.
Molecular consequence: missense variant.
Genome position (GRCh38, 1-based): chr11:92,867,029, C>G. VCF-style: chr11-92867029-C-G. GRCh37 (hg19) VCF-style: chr11-92600195-C-G.
Other names: c.11947C>G, p.Gln3983Glu (NM_001008781.3); short protein forms Q3983E.
Identifiers: ClinVar variation 3354886 (VCV003354886.1).
Genomic context (GRCh38, chr11:92,867,029, plus strand): 5'-CAAGCGGATAACATCCGCAGCCTGACTGACACGCGGGTCACGCAGGTGCTCAGCGGCTTC[C>G]AGGGCTGCCTGGACTCGGTGATACTGAATAACAATGAGCTGCCGCTGCAGAACAAGCGCA-3'
Protein context (NP_001354878.1, residues 3973-3993): TRVTQVLSGF[Gln3983Glu]GCLDSVILNN

ClinVar aggregate classification (germline): Uncertain significance (0 of 4 stars; one submission).

Conditions:
FAT3-related disorder. Also called: FAT3-related condition.

Submission:

PreventionGenetics, part of Exact Sciences
Classification: Uncertain significance for FAT3-related condition. Last evaluated: 2024-07-10. Review status: no assertion criteria provided. Collection method: clinical testing. Allele origin: germline.
Comment: The FAT3 c.11947C>G variant is predicted to result in the amino acid substitution p.Gln3983Glu. To our knowledge, this variant has not been reported in the literature or in a large population database, indicating this variant is rare. At this time, the clinical significance of this variant is uncertain due to the absence of conclusive functional and genetic evidence.